The following continues an entry in ClinVar:

NM_000540.3(RYR1):c.14545G>A (p.Val4849Ile)

Gene: RYR1. ClinVar aggregate classification (germline): drug response. drug response (7).

Submissions 13 to 29 of 29:

All of Us Research Program, National Institutes of Health
Classification: Pathogenic for Malignant hyperthermia, susceptibility to, 1. Last evaluated: 2024-09-23. Review status: criteria provided, single submitter. Criteria: ACMG Guidelines, 2015. Collection method: clinical testing. Allele origin: germline. Inheritance: Autosomal dominant inheritance. Observed: 4 variant alleles, 4 heterozygotes. Not counted in ClinVar's aggregate classification.
Comment: This missense variant replaces valine with isoleucine at codon 4849 of the RYR1 protein. Computational prediction suggests that this variant may have deleterious impact on protein structure and function (internally defined REVEL score threshold >= 0.7, PMID: 27666373). This variant occurs in a region of RYR1 considered to be a hotspot for pathogenic variants that contribute to malignant hyperthermia susceptibility (PMID: 21118704). Functional studies have shown increased sensitivity to RYR1 agonists in HEK293 cells expressing this variant, in comparison to cells expressing wild-type RYR1 (PMID: 28403410). This variant has been reported in over 15 individuals affected with malignant hyperthermia episodes and in several families with histories of malignant hyperthermia susceptibility (PMID: 15731587, 19346234, 19648156, 23558838, 24433488, 25960145, 28403410, 28527222, 30788618). It has been shown that this variant segregates with disease in at least 3 families (PMID: 28403410). This variant has been identified in 5/282784 chromosomes in the general population by the Genome Aggregation Database (gnomAD). Based on the available evidence, this variant is classified as Pathogenic.

This study involves interpretation of variants in research participants for the purpose of population health screening. Participant phenotype was not available at the time of variant classification. Additional details can be found in publication PMID: 35346344, PMCID: PMC8962531

Color Diagnostics, LLC DBA Color Health
Classification: Pathogenic for Malignant hyperthermia, susceptibility to, 1. Last evaluated: 2024-04-24. Review status: criteria provided, single submitter. Criteria: ACMG Guidelines, 2015. Collection method: clinical testing. Allele origin: germline. Not counted in ClinVar's aggregate classification.
Comment: This missense variant replaces valine with isoleucine at codon 4849 of the RYR1 protein. Computational prediction suggests that this variant may have deleterious impact on protein structure and function. Functional studies in HEK293 cells have shown this variant increases sensitivity to RYR1 agonists compared to cells expressing wild-type RYR1 (PMID: 28403410). This variant has been reported in over 15 individuals affected with malignant hyperthermia episodes and in more than 10 families affected with malignant hyperthermia susceptibility (PMID: 15731587, 19346234, 19648156, 23558838, 24433488, 25960145, 28403410, 28527222, 30788618). It has been shown that this variant segregates with disease in at least 3 families (PMID: 28403410). This variant has been identified in 5/282784 chromosomes in the general population by the Genome Aggregation Database (gnomAD). Based on the available evidence, this variant is classified as Pathogenic.

Ambry Genetics
Classification: Pathogenic for Inborn genetic diseases. Last evaluated: 2024-03-29. Review status: criteria provided, single submitter. Criteria: Ambry Variant Classification Scheme 2023. Collection method: clinical testing. Allele origin: germline. Not counted in ClinVar's aggregate classification.
Comment: The c.14545G>A (p.V4849I) alteration is located in exon 101 (coding exon 101) of the RYR1 gene. This alteration results from a G to A substitution at nucleotide position 14545, causing the valine (V) at amino acid position 4849 to be replaced by an isoleucine (I). Based on data from gnomAD, the A allele has an overall frequency of 0.002% (5/282784) total alleles studied. The highest observed frequency was 0.004% (1/24952) of African alleles. This variant was reported in multiple individuals with a positive IVCT test, a reported MH event, and/or a family history of a reported MH event (Carpenter, 2009; Kraeva, 2011; Brandom, 2013; Snoeck, 2015). This variant has also been shown to segregate with MHS in multiple families (Merritt, 2017). This amino acid position is highly conserved in available vertebrate species. In multiple assays testing RYR1 function, this variant showed functionally abnormal results (Parker, 2017; Merritt, 2017). This alteration is predicted to be deleterious by in silico analysis. Based on the available evidence, this alteration is classified as pathogenic.

Muscle and Diseases Team, Institut de Génétique et Biologie Moléculaire et Cellulaire
Classification: Likely pathogenic for Congenital multicore myopathy with external ophthalmoplegia. Last evaluated: 2024-03-01. Review status: criteria provided, single submitter. Criteria: ACMG Guidelines, 2015. Collection method: research. Allele origin: unknown. Affected: yes. Observed: 2 variant alleles. Not counted in ClinVar's aggregate classification.
Comment: PM1+PM2+PM5+PP2+PP3

Muscle and Diseases Team, Institut de Génétique et Biologie Moléculaire et Cellulaire
Classification: Likely pathogenic for Centronuclear myopathy. Last evaluated: 2024-03-01. Review status: criteria provided, single submitter. Criteria: ACMG Guidelines, 2015. Collection method: research. Allele origin: unknown. Affected: yes. Observed: 2 variant alleles. Not counted in ClinVar's aggregate classification.
Comment: PM1+PM2+PM3+PM5+PP2+PP3

Greenwood Genetic Center Diagnostic Laboratories, Greenwood Genetic Center
Classification: Pathogenic for RYR1-related disorder. Last evaluated: 2023-06-06. Review status: criteria provided, single submitter. Criteria: ACMG Guidelines, 2015. Collection method: clinical testing. Allele origin: germline. Not counted in ClinVar's aggregate classification.
Comment: PS3, PM1, PM2, PP3, PP1

MGZ Medical Genetics Center
Classification: Pathogenic for Malignant hyperthermia, susceptibility to, 1. Last evaluated: 2022-07-27. Review status: criteria provided, single submitter. Criteria: ACMG Guidelines, 2015. Collection method: clinical testing. Allele origin: germline. Affected: yes. Observed: 1 variant allele. Not counted in ClinVar's aggregate classification.
Comment: ACMG criteria applied: PS3, PS4_MOD, PM3, PM2_SUP, PP1, PP2, PP3

GeneDx
Classification: Pathogenic. Last evaluated: 2022-04-25. Review status: criteria provided, single submitter. Criteria: GeneDx Variant Classification Process June 2021. Collection method: clinical testing. Allele origin: germline. Affected: yes. Not counted in ClinVar's aggregate classification.
Comment: Observed as a single variant in several families with a history of both malignant hyperthermia and CCD, as well as in an individual with scapular winging, limb weakness and a muscle biopsy with increased internal nuclei (Carpenter et al., 2009; Loseth et al., 2013).; Observed in the heterozygous state in multiple families with malignant hyperthermia, confirmed by in vitro contracture testing (IVCT) (Miller et al., 2018); Functional studies showed that V4849I increases both receptor sensitivity to caffeine and resulting calcium release (Merritt et al., 2017); Not observed at a significant frequency in large population cohorts (gnomAD); In silico analysis supports that this missense variant does not alter protein structure/function; This variant is associated with the following publications: (PMID: 16372898, 32978841, 30788618, 31447099, 12136074, 17483490, 18253926, 23558838, 23329375, 22473935, 19648156, 17226826, 25958340, 16917943, 28818389, 29635721, 32381029, 30932294, 30291343, 28403410, 28527222, 30236257, 32665702, 32528171, 20681998)

CeGaT Center for Human Genetics Tuebingen
Classification: Pathogenic. Last evaluated: 2022-02-01. Review status: criteria provided, single submitter. Criteria: CeGaT Center For Human Genetics Tuebingen Variant Classification Criteria Version 2. Collection method: clinical testing. Allele origin: germline. Affected: yes. Observed: 1 variant allele. Not counted in ClinVar's aggregate classification.

Genetics and Molecular Pathology, SA Pathology
Classification: Pathogenic for Malignant hyperthermia, susceptibility to, 1. Last evaluated: 2021-10-20. Review status: criteria provided, single submitter. Criteria: ACMG Guidelines, 2015. Collection method: clinical testing. Allele origin: germline. Inheritance: Autosomal dominant inheritance. Affected: yes. Not counted in ClinVar's aggregate classification.

Laboratorio de Genetica e Diagnostico Molecular, Hospital Israelita Albert Einstein
Classification: Pathogenic for Malignant hyperthermia, susceptibility to, 1. Last evaluated: 2020-07-11. Review status: criteria provided, single submitter. Criteria: ACMG Guidelines, 2015. Collection method: clinical testing. Allele origin: germline. Not counted in ClinVar's aggregate classification.
Comment: ACMG classification criteria: PS4, PM2, PM3

Laboratory for Molecular Medicine, Mass General Brigham Personalized Medicine
Classification: Pathogenic for Malignant hyperthermia of anesthesia. Last evaluated: 2020-06-11. Review status: criteria provided, single submitter. Criteria: ACMG Guidelines, 2015. Collection method: clinical testing. Allele origin: germline. Not counted in ClinVar's aggregate classification.
Comment: The p.Val4849Ile variant in RYR1 has been reported in >15 individuals with malignant hyperthermia, and segregated in >15 affected family members (Brandom 2013, Broman 2009, Snoeck 2015, Klinger 2014, Carpenter 2009). It has also been reported in 3 individuals with recurrent rhabdomyolysis or myalgia with hyperCKemia and two individuals with late onset axial myopathy (Witting 2018, Loseth 2013, Snoeck 2015). Furthermore, this variant has been reported in the compound heterozygous state in 5 individuals with congenital myopathy, central core disease, or centronuclear myopathy (Ducreux 2006, Kraeva 2015, Abath Neto 2017, Kossugue 2007, Monnier 2008, Zhou 2007). In vitro functional studies support that this variant results in increased sensitivity to RYR1-agonists (Merrit 2017, Parker 2017, Ducreux 2006). It has been identified in 5/282784 of the total chromosomes in gnomAD. Computational prediction tools and conservation analysis suggest an impact to the protein. In summary, this variant meets criteria to be classified as pathogenic for both autosomal dominant malignant hyperthermia and autosomal recessive congenital myopathy / central core disease. ACMG/AMP criteria applied: PS4, PM3_Strong, PP1_Strong, PM2, PP3, PS3_Supporting.

Mendelics
Classification: Pathogenic for Malignant hyperthermia, susceptibility to, 1. Last evaluated: 2019-05-28. Review status: criteria provided, single submitter. Criteria: Mendelics Assertion Criteria 2017. Collection method: clinical testing. Allele origin: unknown. Not counted in ClinVar's aggregate classification.

PreventionGenetics, part of Exact Sciences
Classification: Pathogenic. Last evaluated: 2016-06-08. Review status: criteria provided, single submitter. Criteria: ACMG Guidelines, 2015. Collection method: clinical testing. Allele origin: germline. Not counted in ClinVar's aggregate classification.

Juno Genomics, Hangzhou Juno Genomics, Inc
Classification: Pathogenic for Malignant hyperthermia, susceptibility to, 1. Review status: criteria provided, single submitter. Criteria: ACMG Guidelines, 2015. Collection method: clinical testing. Allele origin: germline. Not counted in ClinVar's aggregate classification.
Comment: Well-established in vitro or in vivo functional studies supportive of a damaging effect on the gene or gene product.;Located in a mutational hot spot and/or critical and well-established functional domain without benign variation.;The prevalence of the variant in affected individuals is significantly increased compared to the prevalence in controls.;Co-segregation with disease in multiple affected family members.

OMIM
Classification: Pathogenic for CONGENITAL MYOPATHY 1B, AUTOSOMAL RECESSIVE. Last evaluated: 2008-05-01. Review status: no assertion criteria provided. Collection method: literature only. Allele origin: germline. Not counted in ClinVar's aggregate classification.

RYR1 database
No classification provided. Review status: no classification provided. Collection method: not provided. Allele origin: unknown. Not counted in ClinVar's aggregate classification.

Literature cited by the submitters: PubMed 15731587 (cited by 5 submitters); PubMed 19346234 (cited by 5 submitters); PubMed 19648156 (cited by 8 submitters); PubMed 21455645 (cited by ClinPGx and Ambry Genetics); PubMed 21965348 (cited by ClinPGx and Laboratory for Molecular Medicine, Mass General Brigham Personalized Medicine); PubMed 23558838 (cited by 6 submitters); PubMed 24433488 (cited by 5 submitters); PubMed 25960145 (cited by 7 submitters); PubMed 27382027 (cited by ClinPGx and Laboratory for Molecular Medicine, Mass General Brigham Personalized Medicine); PubMed 27663056 (cited by ClinPGx); PubMed 28326467 (cited by ClinPGx); PubMed 28527222 (cited by 6 submitters); PubMed 12136074 (cited by 5 submitters); PubMed 22473935 (cited by Dasa and Labcorp Genetics (formerly Invitae), Labcorp); PubMed 28818389 (cited by 5 submitters); PubMed 28403410 (cited by 5 submitters); PubMed 30788618 (cited by 4 submitters); PubMed 17226826 (cited by 3 submitters); PubMed 23919265 (cited by Victorian Clinical Genetics Services, Murdoch Childrens Research Institute); PubMed 25958340 (cited by Victorian Clinical Genetics Services, Murdoch Childrens Research Institute and Laboratory for Molecular Medicine, Mass General Brigham Personalized Medicine); PubMed 27855725 (cited by Victorian Clinical Genetics Services, Murdoch Childrens Research Institute); PubMed 21118704 (cited by All of Us Research Program, National Institutes of Health); DOI 10.1186/s13073-024-01353-0 (cited by Muscle and Diseases Team, Institut de Génétique et Biologie Moléculaire et Cellulaire); PubMed 23329375 (cited by Laboratory for Molecular Medicine, Mass General Brigham Personalized Medicine); PubMed 16372898 (cited by Laboratory for Molecular Medicine, Mass General Brigham Personalized Medicine); PubMed 18253926 (cited by Laboratory for Molecular Medicine, Mass General Brigham Personalized Medicine and OMIM); PubMed 29635721 (cited by Laboratory for Molecular Medicine, Mass General Brigham Personalized Medicine); PubMed 17483490 (cited by Laboratory for Molecular Medicine, Mass General Brigham Personalized Medicine).